The following is an entry in ClinVar:

ClinVar aggregate classification (germline): Uncertain significance (1 of 4 stars; one submission).

Conditions:
DiGeorge syndrome. Also called: THIRD AND FOURTH PHARYNGEAL POUCH SYNDROME; Catch22. Identifiers: Orphanet 567, MedGen C0012236, MONDO:0008564, OMIM 188400.

Submission:

Labcorp Genetics (formerly Invitae), Labcorp
Classification: Uncertain significance for DiGeorge syndrome. Last evaluated: 2025-10-05. Review status: criteria provided, single submitter. Criteria: Invitae Variant Classification Sherloc (09022015). Collection method: clinical testing. Allele origin: germline.
Comment: This sequence change replaces aspartic acid, which is acidic and polar, with histidine, which is basic and polar, at codon 337 of the TBX1 protein (p.Asp337His). This variant also falls at the last nucleotide of exon 8, which is part of the consensus splice site for this exon. This variant is not present in population databases (gnomAD no frequency). This variant has not been reported in the literature in individuals affected with TBX1-related conditions. An algorithm developed to predict the effect of missense changes on protein structure and function (PolyPhen-2) suggests that this variant is likely to be disruptive. Variants that disrupt the consensus splice site are a relatively common cause of aberrant splicing (PMID: 17576681, 9536098). Algorithms developed to predict the effect of sequence changes on RNA splicing suggest that this variant may disrupt the consensus splice site. In summary, the available evidence is currently insufficient to determine the role of this variant in disease. Therefore, it has been classified as a Variant of Uncertain Significance.

Literature cited by the submitters: PubMed 17576681; PubMed 9536098.

NM_001379200.1(TBX1):c.1036G>C (p.Asp346His)

Gene: TBX1 (T-box transcription factor 1; plus strand). Cytogenetic location: 22q11.21.
Variant type: single nucleotide variant.
Coding change: c.1036G>C on transcript NM_001379200.1 (MANE Select); coding-DNA position 1036, G replaced by C.
Protein change: p.Asp346His; replaces aspartic acid 346 with histidine.
Molecular consequence: missense variant.
Genome position (GRCh38, 1-based): chr22:19,766,002, G>C. VCF-style: chr22-19766002-G-C. GRCh37 (hg19) VCF-style: chr22-19753525-G-C.
Other names: c.1009G>C, p.Gly337Arg (NM_005992.1, NM_080646.2); c.1009G>C, p.Asp337His (NM_080647.1); short protein forms D337H, D346H, G337R.
Identifiers: ClinVar variation 4728490 (VCV004728490.1).
Genomic context (GRCh38, chr22:19,766,002, plus strand): 5'-GCCTTCGCGCGCTCGCGGAACCCCGTGGCTTCCCCGACGCAGCCCAGCGGCACGGAGAAA[G>C]GTAGGGCCGGGGTCGTGGGATCCGGGTTCCGGCCCTGTGCGCGCTCTACCCCGGGCCGGC-3'
Protein context (NP_001366129.1, residues 336-356): SPTQPSGTEK[Asp346His]AAEARREFQR